The following is an entry in ClinVar:

ClinVar aggregate classification (germline): Conflicting classifications of pathogenicity. Review status: criteria provided, conflicting classifications (1 of 4 stars). 5 submissions from 5 submitters: Uncertain significance (3); Likely benign (2). Last evaluated 2026-10-26.

Conditions:
Neonatal diabetes mellitus with congenital hypothyroidism. Also called: NDH SYNDROME. Identifiers: Orphanet 79118, MedGen C1857775, MONDO:0012436, OMIM 610199.
Congenital hypothyroidism. Identifiers: Orphanet 442, MedGen C0010308, MONDO:0018612, HP:0000851.
Monogenic diabetes. Identifiers: Orphanet 183625, MedGen C3888631, MONDO:0015967.
GLIS3-related disorder. Also called: GLIS3-related condition.

Allele frequency attached by ClinVar (database versions not stated): 1000 Genomes Project 30x 0.00031; ESP Exome Variant Server 0.00057; gnomAD 0.00078 and 0.00081; TOPMed 0.00084; ExAC 0.00103.

Submissions (5):

Cambridge Genomics Laboratory, East Genomic Laboratory Hub, NHS Genomic Medicine Service
Classification: Uncertain significance for Congenital hypothyroidism. Last evaluated: 2026-10-26. Review status: criteria provided, single submitter. Criteria: ACGS Best Practice Guidelines for Variant Classification in Rare Disease 2020. Collection method: clinical testing. Allele origin: germline. Affected: yes.
Comment: PP2

PreventionGenetics, part of Exact Sciences
Classification: Likely benign for GLIS3-related condition. Last evaluated: 2025-12-23. Review status: criteria provided, single submitter. Criteria: ACMG Guidelines, 2015. Collection method: clinical testing. Allele origin: germline.
Comment: This variant is classified as likely benign based on ACMG/AMP sequence variant interpretation guidelines (Richards et al. 2015 PMID: 25741868, with internal and published modifications).

Labcorp Genetics (formerly Invitae), Labcorp
Classification: Uncertain significance. Last evaluated: 2023-10-03. Review status: criteria provided, single submitter. Criteria: Invitae Variant Classification Sherloc (09022015). Collection method: clinical testing. Allele origin: germline.
Comment: This sequence change replaces histidine, which is basic and polar, with arginine, which is basic and polar, at codon 245 of the GLIS3 protein (p.His245Arg). This variant is present in population databases (rs376031632, gnomAD 0.2%), and has an allele count higher than expected for a pathogenic variant. This variant has not been reported in the literature in individuals affected with GLIS3-related conditions. ClinVar contains an entry for this variant (Variation ID: 549530). An algorithm developed to predict the effect of missense changes on protein structure and function (PolyPhen-2) suggests that this variant is likely to be disruptive. In summary, the available evidence is currently insufficient to determine the role of this variant in disease. Therefore, it has been classified as a Variant of Uncertain Significance.

Illumina Laboratory Services, Illumina
Classification: Uncertain significance for Neonatal diabetes mellitus with congenital hypothyroidism. Last evaluated: 2018-01-12. Review status: criteria provided, single submitter. Criteria: ICSL Variant Classification Criteria 13 December 2019. Collection method: clinical testing. Allele origin: germline.

Personalized Diabetes Medicine Program, University of Maryland School of Medicine
Classification: Likely benign for Monogenic diabetes. Last evaluated: 2017-05-22. Review status: criteria provided, single submitter. Criteria: ACMG Guidelines, 2015. Collection method: research. Allele origin: unknown. Observed: 1 variant allele, 1 heterozygote. Study: Personalized Diabetes Medicine Program.
Comment: ACMG Criteria:PP3 (3 predictors), BP4 (7 predictors), BP5 (alternate cause)

NM_001042413.2(GLIS3):c.1199A>G (p.His400Arg)

Gene: GLIS3 (GLIS family zinc finger 3; minus strand). Cytogenetic location: 9p24.2.
Variant type: single nucleotide variant.
Coding change: c.1199A>G on transcript NM_001042413.2 (MANE Select); coding-DNA position 1199, A replaced by G.
Protein change: p.His400Arg; replaces histidine 400 with arginine.
Molecular consequence: missense variant.
Genome position (GRCh38, 1-based): chr9:4,118,279, T>C on the plus strand (A>G on the coding strand, the complement: GLIS3 is on the minus strand). VCF-style: chr9-4118279-T-C. GRCh37 (hg19) VCF-style: chr9-4118279-T-C.
Other names: c.734A>G, p.His245Arg (NM_152629.4); short protein forms H400R, H245R.
Identifiers: ClinVar variation 549530 (VCV000549530.11), dbSNP rs376031632, ClinGen allele CA4968276.